The following is an entry in ClinVar:

NM_000368.5(TSC1):c.1882T>C (p.Leu628=)

Gene: TSC1 (TSC complex subunit 1; minus strand). Cytogenetic location: 9q34.13.
Variant type: single nucleotide variant.
Coding change: c.1882T>C on transcript NM_000368.5 (MANE Select); coding-DNA position 1882, T replaced by C.
Protein change: p.Leu628=; no amino-acid change (leucine 628 retained).
Molecular consequence: synonymous variant.
Genome position (GRCh38, 1-based): chr9:132,905,696, A>G on the plus strand (T>C on the coding strand, the complement: TSC1 is on the minus strand). VCF-style: chr9-132905696-A-G. GRCh37 (hg19) VCF-style: chr9-135781083-A-G.
Other names: c.1879T>C, p.Leu627= (NM_001162426.2); c.1729T>C, p.Leu577= (NM_001162427.2); c.1519T>C, p.Leu507= (NM_001362177.2).
Identifiers: ClinVar variation 64764 (VCV000064764.28), dbSNP rs375534013, ClinGen allele CA005500.

ClinVar aggregate classification (germline): Benign/Likely benign. Review status: criteria provided, multiple submitters, no conflicts (2 of 4 stars). 10 submissions from 10 submitters: Benign (1); Likely benign (7). 2 of the submissions do not count toward it. Last evaluated 2025-09-16.

Conditions:
TSC1-related disorder. Also called: TSC1-related condition.
Hereditary cancer-predisposing syndrome. Also called: Tumor predisposition; Neoplastic Syndromes, Hereditary; Hereditary neoplastic syndrome; Hereditary Cancer Syndrome. Identifiers: Orphanet 140162, MedGen C0027672, MeSH D009386, MONDO:0015356.
Tuberous sclerosis syndrome (TSC). Also called: Tuberous Sclerosis Complex; Tuberous sclerosis. Identifiers: Orphanet 805, MedGen C0041341, MONDO:0001734.
Tuberous sclerosis 1 (TSC1). Identifiers: Orphanet 805, MedGen C1854465, MONDO:0008612, OMIM 191100.

Allele frequency attached by ClinVar (database versions not stated): gnomAD 0.00001; gnomAD exomes 0.00001 and 0.00003; ExAC 0.00002; TOPMed 0.00002; ESP Exome Variant Server 0.00008.
gnomAD v4.1: 45 of 1,614,024 alleles (0.0028%); highest among the groups gnomAD compares: Non-Finnish European, 0.0035%; no homozygotes.

Submissions (10):

Labcorp Genetics (formerly Invitae), Labcorp
Classification: Likely benign for Tuberous sclerosis 1. Last evaluated: 2025-09-16. Review status: criteria provided, single submitter. Criteria: Invitae Variant Classification Sherloc (09022015). Collection method: clinical testing. Allele origin: germline.

Myriad Genetics, Inc.
Classification: Benign for Tuberous sclerosis 1. Last evaluated: 2025-04-10. Review status: criteria provided, single submitter. Criteria: Myriad Autosomal Dominant, Autosomal Recessive and X-Linked Classification Criteria (2023). Collection method: clinical testing. Allele origin: unknown.
Comment: This variant is considered benign. This variant is a silent/synonymous amino acid change and it is not expected to impact splicing.

All of Us Research Program, National Institutes of Health
Classification: Likely benign for Tuberous sclerosis syndrome. Last evaluated: 2024-05-30. Review status: criteria provided, single submitter. Criteria: ACMG Guidelines, 2015. Collection method: clinical testing. Allele origin: germline. Inheritance: Autosomal dominant inheritance. Observed: 4 variant alleles, 4 heterozygotes.
Comment: This study involves interpretation of variants in research participants for the purpose of population health screening. Participant phenotype was not available at the time of variant classification. Additional details can be found in publication PMID: 35346344, PMCID: PMC8962531

Color Diagnostics, LLC DBA Color Health
Classification: Likely benign for Tuberous sclerosis syndrome. Last evaluated: 2023-04-19. Review status: criteria provided, single submitter. Criteria: ACMG Guidelines, 2015. Collection method: clinical testing. Allele origin: germline.

Blueprint Genetics
Classification: Likely benign. Last evaluated: 2022-07-17. Review status: criteria provided, single submitter. Criteria: ACMG Guidelines, 2015. Collection method: clinical testing. Allele origin: germline.

Genome-Nilou Lab
Classification: Likely benign for Tuberous sclerosis 1. Last evaluated: 2021-11-07. Review status: criteria provided, single submitter. Criteria: ACMG Guidelines, 2015. Collection method: clinical testing. Allele origin: germline. Affected: no.

Sema4
Classification: Likely benign for Hereditary cancer-predisposing syndrome. Last evaluated: 2021-08-27. Review status: criteria provided, single submitter. Criteria: Sema4 Curation Guidelines. Collection method: curation. Allele origin: germline.

Ambry Genetics
Classification: Likely benign for Hereditary cancer-predisposing syndrome. Last evaluated: 2016-03-16. Review status: criteria provided, single submitter. Criteria: Ambry Variant Classification Scheme 2023. Collection method: clinical testing. Allele origin: germline.

PreventionGenetics, part of Exact Sciences
Classification: Likely benign for TSC1-related condition. Last evaluated: 2024-04-26. Review status: no assertion criteria provided. Collection method: clinical testing. Allele origin: germline. Not counted in ClinVar's aggregate classification.
Comment: This variant is classified as likely benign based on ACMG/AMP sequence variant interpretation guidelines (Richards et al. 2015 PMID: 25741868, with internal and published modifications).

Tuberous sclerosis database (TSC1)
No classification provided. Condition: TSC. Review status: no classification provided. Criteria: Tuberous Sclerosis Database Assertion Criteria 2015. Collection method: curation. Allele origin: germline. Affected: yes. Not counted in ClinVar's aggregate classification.